The following is an entry in ClinVar:

NM_173728.4(ARHGEF15):c.521G>C (p.Gly174Ala)

Gene: ARHGEF15 (Rho guanine nucleotide exchange factor 15; plus strand). Cytogenetic location: 17p13.1.
Variant type: single nucleotide variant.
Coding change: c.521G>C on transcript NM_173728.4 (MANE Select); coding-DNA position 521, G replaced by C.
Protein change: p.Gly174Ala; replaces glycine 174 with alanine.
Molecular consequence: missense variant.
Genome position (GRCh38, 1-based): chr17:8,312,560, G>C. VCF-style: chr17-8312560-G-C. GRCh37 (hg19) VCF-style: chr17-8215878-G-C.
Other names: c.521G>C, p.Gly174Ala (NM_025014.2); short protein forms G174A.
Identifiers: ClinVar variation 1357832 (VCV001357832.9), dbSNP rs1443835154, ClinGen allele CA398014877.

ClinVar aggregate classification (germline): Uncertain significance (1 of 4 stars; one submission).

Conditions:
Early-infantile DEE. Also called: Early infantile epileptic encephalopathy; Ohtahara syndrome; Early infantile epileptic encephalopathy with suppression bursts. Identifiers: Orphanet 1934, MedGen C0393706, MONDO:0800491.

Allele frequency attached by ClinVar (database versions not stated): gnomAD exomes below 0.00001; TOPMed below 0.00001.
gnomAD v4.1: 4 of 1,608,764 alleles (0.00025%); highest among the groups gnomAD compares: Non-Finnish European, 0.00034%; no homozygotes.

Submission:

Labcorp Genetics (formerly Invitae), Labcorp
Classification: Uncertain significance for Early-infantile DEE. Last evaluated: 2021-07-14. Review status: criteria provided, single submitter. Criteria: Invitae Variant Classification Sherloc (09022015). Collection method: clinical testing. Allele origin: germline.
Comment: In summary, the available evidence is currently insufficient to determine the role of this variant in disease. Therefore, it has been classified as a Variant of Uncertain Significance. This sequence change replaces glycine with alanine at codon 174 of the ARHGEF15 protein (p.Gly174Ala). The glycine residue is weakly conserved and there is a small physicochemical difference between glycine and alanine. This variant is not present in population databases (ExAC no frequency). This variant has not been reported in the literature in individuals affected with ARHGEF15-related conditions. Algorithms developed to predict the effect of missense changes on protein structure and function output the following: SIFT: "Tolerated"; PolyPhen-2: "Benign"; Align-GVGD: "Class C0". The alanine amino acid residue is found in multiple mammalian species, which suggests that this missense change does not adversely affect protein function.